The following is an entry in ClinVar:

NM_001376.5(DYNC1H1):c.1136G>A (p.Arg379His)

Gene: DYNC1H1 (dynein cytoplasmic 1 heavy chain 1; plus strand). Cytogenetic location: 14q32.31.
Variant type: single nucleotide variant.
Coding change: c.1136G>A on transcript NM_001376.5 (MANE Select); coding-DNA position 1136, G replaced by A.
Protein change: p.Arg379His; replaces arginine 379 with histidine.
Molecular consequence: missense variant.
Genome position (GRCh38, 1-based): chr14:101,983,193, G>A. VCF-style: chr14-101983193-G-A. GRCh37 (hg19) VCF-style: chr14-102449530-G-A.
Other names: short protein forms R379H.
Identifiers: ClinVar variation 1180496 (VCV001180496.3), dbSNP rs764826411, ClinGen allele CA391013406.
Genomic context (GRCh38, chr14:101,983,193, plus strand): 5'-CCATTTTCACACATTTGAGAAAGATCCGAAACACAAAATATCCTATTCAGAGGGCACTGC[G>A]TTTGGTGGAGGCAATTTCAAGAGACTTGAGTTCTCAATTACTCAAAGTATTGGGCACTAG-3'
Protein context (NP_001367.2, residues 369-389): NTKYPIQRAL[Arg379His]LVEAISRDLS

ClinVar aggregate classification (germline): Uncertain significance. Review status: criteria provided, multiple submitters, no conflicts (2 of 4 stars). 2 submissions from 2 submitters: Uncertain significance (2). Last evaluated 2023-11-14.

Conditions:
Autosomal dominant childhood-onset proximal spinal muscular atrophy without contractures. Also called: Spinal muscular atrophy, lower extremity-predominant 1, AD; SPINAL MUSCULAR ATROPHY, CHILDHOOD, PROXIMAL, AUTOSOMAL DOMINANT; KUGELBERG-WELANDER SYNDROME, AUTOSOMAL DOMINANT; SPINAL MUSCULAR ATROPHY, JUVENILE, PROXIMAL, AUTOSOMAL DOMINANT. Identifiers: Orphanet 209341, Orphanet 363447, MedGen C5780022, MONDO:0008026, OMIM 158600.

gnomAD v4.1: 4 of 1,614,192 alleles (0.00025%); highest among the groups gnomAD compares: Non-Finnish European, 0.00034%; no homozygotes.

Submissions (2):

GeneDx
Classification: Uncertain significance. Last evaluated: 2023-11-14. Review status: criteria provided, single submitter. Criteria: GeneDx Variant Classification Process June 2021. Collection method: clinical testing. Allele origin: germline. Affected: yes.
Comment: Not observed at significant frequency in large population cohorts (gnomAD); In silico analysis supports that this missense variant has a deleterious effect on protein structure/function; Has not been previously published as pathogenic or benign to our knowledge; This variant is associated with the following publications: (PMID: 25512093, 25609763, 26100331)

Center for Human Genetics and Genomic Medicine, Uniklinik Rwth Aachen
Classification: Uncertain significance for Autosomal dominant childhood-onset proximal spinal muscular atrophy without contractures. Last evaluated: 2021-07-15. Review status: criteria provided, single submitter. Criteria: ACMG Guidelines, 2015. Collection method: clinical testing. Allele origin: germline. Affected: yes.
Comment: The variant is absent from population databases; bioinformatic prediction tools indicate pathogenicity. Segregation analyses could not be performed. We have classified the variant as a "variant of uncertain significance".